The following is an entry in ClinVar:

ClinVar aggregate classification (germline): Pathogenic (1 of 4 stars; one submission).

Conditions:
X-linked immunodeficiency with magnesium defect, Epstein-Barr virus infection and neoplasia. Identifiers: Orphanet 317476, MedGen C3275445, MONDO:0010455, OMIM 300853.

Submission:

Labcorp Genetics (formerly Invitae), Labcorp
Classification: Pathogenic for X-linked immunodeficiency with magnesium defect, Epstein-Barr virus infection and neoplasia. Last evaluated: 2024-12-24. Review status: criteria provided, single submitter. Criteria: Invitae Variant Classification Sherloc (09022015). Collection method: clinical testing. Allele origin: germline.
Comment: This sequence change creates a premature translational stop signal (p.Trp201*) in the MAGT1 gene. It is expected to result in an absent or disrupted protein product. Loss-of-function variants in MAGT1 are known to be pathogenic (PMID: 24550228). This variant is not present in population databases (gnomAD no frequency). This variant has not been reported in the literature in individuals affected with MAGT1-related conditions. ClinVar contains an entry for this variant (Variation ID: 1074984). For these reasons, this variant has been classified as Pathogenic.

Literature cited by the submitters: PubMed 24550228.

NM_001367916.1(MAGT1):c.507G>A (p.Trp169Ter)

Gene: MAGT1 (magnesium transporter 1; minus strand). Cytogenetic location: Xq21.1.
Variant type: single nucleotide variant.
Coding change: c.507G>A on transcript NM_001367916.1 (MANE Select); coding-DNA position 507, G replaced by A.
Protein change: p.Trp169Ter; replaces tryptophan 169 with a stop codon.
Molecular consequence: nonsense.
Genome position (GRCh38, 1-based): chrX:77,857,381, C>T on the plus strand (G>A on the coding strand, the complement: MAGT1 is on the minus strand). VCF-style: chrX-77857381-C-T. GRCh37 (hg19) VCF-style: chrX-77112878-C-T.
Other names: c.603G>A, p.Trp201Ter (NM_032121.5); short protein forms W169*, W201*.
Identifiers: ClinVar variation 1074984 (VCV001074984.7), dbSNP rs2149018410, ClinGen allele CA413714057.